The following is an entry in ClinVar:

ClinVar aggregate classification (germline): Uncertain significance (1 of 4 stars; one submission).

Conditions:
Inborn genetic diseases. Identifiers: MedGen C0950123, MeSH D030342.

Submission:

Ambry Genetics
Classification: Uncertain significance for Inborn genetic diseases. Last evaluated: 2024-12-29. Review status: criteria provided, single submitter. Criteria: Ambry Variant Classification Scheme 2023. Collection method: clinical testing. Allele origin: germline.
Comment: The p.P88S variant (also known as c.262C>T), located in coding exon 2 of the USB1 gene, results from a C to T substitution at nucleotide position 262. The proline at codon 88 is replaced by serine, an amino acid with similar properties. This amino acid position is conserved. In addition, the in silico prediction for this alteration is inconclusive. Based on the available evidence, the clinical significance of this variant remains unclear.

NM_024598.4(USB1):c.262C>T (p.Pro88Ser)

Gene: USB1 (U6 snRNA biogenesis phosphodiesterase 1; plus strand). Cytogenetic location: 16q21.
Variant type: single nucleotide variant.
Coding change: c.262C>T on transcript NM_024598.4 (MANE Select); coding-DNA position 262, C replaced by T.
Protein change: p.Pro88Ser; replaces proline 88 with serine.
Molecular consequence: missense variant.
Genome position (GRCh38, 1-based): chr16:58,002,642, C>T. VCF-style: chr16-58002642-C-T. GRCh37 (hg19) VCF-style: chr16-58036546-C-T.
Other names: c.262C>T, p.Pro88Ser (NM_001195302.2, NM_001204911.2, NM_001330569.2); c.109C>T, p.Pro37Ser (NM_001330568.2); short protein forms P88S, P37S.
Identifiers: ClinVar variation 3813868 (VCV003813868.1).